The following is an entry in ClinVar:

NM_000245.4(MET):c.2510A>C (p.His837Pro)

Gene: MET (MET proto-oncogene, receptor tyrosine kinase; plus strand). Cytogenetic location: 7q31.2.
Variant type: single nucleotide variant.
Coding change: c.2510A>C on transcript NM_000245.4 (MANE Select); coding-DNA position 2510, A replaced by C.
Protein change: p.His837Pro; replaces histidine 837 with proline.
Molecular consequence: missense variant.
Genome position (GRCh38, 1-based): chr7:116,763,195, A>C. VCF-style: chr7-116763195-A-C. GRCh37 (hg19) VCF-style: chr7-116403249-A-C.
Other names: c.2564A>C, p.His855Pro (NM_001127500.3); c.2510A>C, p.His837Pro (NM_001324401.3); c.1220A>C, p.His407Pro (NM_001324402.2); short protein forms H837P, H855P, H407P.
Identifiers: ClinVar variation 1409165 (VCV001409165.11), dbSNP rs1041349799, ClinGen allele CA368983471.

ClinVar aggregate classification (germline): Uncertain significance. Review status: criteria provided, multiple submitters, no conflicts (2 of 4 stars). 2 submissions from 2 submitters: Uncertain significance (2). Last evaluated 2025-07-11.

Conditions:
Renal cell carcinoma. Identifiers: Orphanet 217071, MedGen C0007134, MeSH D002292, MONDO:0005086, HP:0005584.
Hereditary cancer-predisposing syndrome. Also called: Hereditary Cancer Syndrome; Tumor predisposition; Hereditary neoplastic syndrome; Neoplastic Syndromes, Hereditary. Identifiers: Orphanet 140162, MedGen C0027672, MeSH D009386, MONDO:0015356.

Submissions (2):

Ambry Genetics
Classification: Uncertain significance for Hereditary cancer-predisposing syndrome. Last evaluated: 2025-07-11. Review status: criteria provided, single submitter. Criteria: Ambry Variant Classification Scheme 2023. Collection method: clinical testing. Allele origin: germline.
Comment: The p.H855P variant (also known as c.2564A>C), located in coding exon 10 of the MET gene, results from an A to C substitution at nucleotide position 2564. The histidine at codon 855 is replaced by proline, an amino acid with similar properties. This amino acid position is well conserved in available vertebrate species. In addition, this alteration is predicted to be tolerated by in silico analysis. Based on the available evidence, the clinical significance of this variant remains unclear.

Labcorp Genetics (formerly Invitae), Labcorp
Classification: Uncertain significance for Renal cell carcinoma. Last evaluated: 2022-12-23. Review status: criteria provided, single submitter. Criteria: Invitae Variant Classification Sherloc (09022015). Collection method: clinical testing. Allele origin: germline.
Comment: In summary, the available evidence is currently insufficient to determine the role of this variant in disease. Therefore, it has been classified as a Variant of Uncertain Significance. Algorithms developed to predict the effect of missense changes on protein structure and function output the following: SIFT: "Tolerated"; PolyPhen-2: "Benign"; Align-GVGD: "Class C0". The proline amino acid residue is found in multiple mammalian species, which suggests that this missense change does not adversely affect protein function. ClinVar contains an entry for this variant (Variation ID: 1409165). This variant has not been reported in the literature in individuals affected with MET-related conditions. This variant is not present in population databases (gnomAD no frequency). This sequence change replaces histidine, which is basic and polar, with proline, which is neutral and non-polar, at codon 855 of the MET protein (p.His855Pro).